The following is an entry in ClinVar:

NM_031407.7(HUWE1):c.963+4A>C

Gene: HUWE1 (HECT, UBA and WWE domain containing E3 ubiquitin protein ligase 1; minus strand). Cytogenetic location: Xp11.22.
Variant type: single nucleotide variant.
Coding change: c.963+4A>C on transcript NM_031407.7 (MANE Select); 4 bases into the intron after coding-DNA position 963, A replaced by C.
Molecular consequence: intron variant.
Genome position (GRCh38, 1-based): chrX:53,629,512, T>G on the plus strand (A>C on the coding strand, the complement: HUWE1 is on the minus strand). VCF-style: chrX-53629512-T-G. GRCh37 (hg19) VCF-style: chrX-53656463-T-G.
Identifiers: ClinVar variation 2868798 (VCV002868798.3), dbSNP rs782499147, ClinGen allele CA2693820731.

ClinVar aggregate classification (germline): Uncertain significance (1 of 4 stars; one submission).

Submission:

Labcorp Genetics (formerly Invitae), Labcorp
Classification: Uncertain significance. Last evaluated: 2023-12-03. Review status: criteria provided, single submitter. Criteria: Invitae Variant Classification Sherloc (09022015). Collection method: clinical testing. Allele origin: germline.
Comment: This sequence change falls in intron 13 of the HUWE1 gene. It does not directly change the encoded amino acid sequence of the HUWE1 protein. It affects a nucleotide within the consensus splice site. This variant is not present in population databases (gnomAD no frequency). This variant has not been reported in the literature in individuals affected with HUWE1-related conditions. Variants that disrupt the consensus splice site are a relatively common cause of aberrant splicing (PMID: 17576681, 9536098). Algorithms developed to predict the effect of sequence changes on RNA splicing suggest that this variant is not likely to affect RNA splicing. In summary, the available evidence is currently insufficient to determine the role of this variant in disease. Therefore, it has been classified as a Variant of Uncertain Significance.

Literature cited by the submitters: PubMed 17576681; PubMed 9536098.